The following is an entry in ClinVar:

ClinVar aggregate classification (germline): Uncertain significance (1 of 4 stars; one submission).

Allele frequency attached by ClinVar (database versions not stated): gnomAD exomes below 0.00001.
gnomAD v4.1: 1 of 1,613,716 alleles (0.000062%); highest among the groups gnomAD compares: African/African-American, 0.0013%; no homozygotes.

Submission:

Labcorp Genetics (formerly Invitae), Labcorp
Classification: Uncertain significance. Last evaluated: 2020-06-16. Review status: criteria provided, single submitter. Criteria: Invitae Variant Classification Sherloc (09022015). Collection method: clinical testing. Allele origin: germline.
Comment: This variant is not present in population databases (ExAC no frequency). This variant has not been reported in the literature in individuals with GNA11-related conditions. Algorithms developed to predict the effect of missense changes on protein structure and function (SIFT, PolyPhen-2, Align-GVGD) all suggest that this variant is likely to be tolerated, but these predictions have not been confirmed by published functional studies and their clinical significance is uncertain. In summary, the available evidence is currently insufficient to determine the role of this variant in disease. Therefore, it has been classified as a Variant of Uncertain Significance. This sequence change replaces aspartic acid with asparagine at codon 321 of the GNA11 protein (p.Asp321Asn). The aspartic acid residue is moderately conserved and there is a small physicochemical difference between aspartic acid and asparagine.

NM_002067.5(GNA11):c.961G>A (p.Asp321Asn)

Gene: GNA11 (G protein subunit alpha 11; plus strand). Cytogenetic location: 19p13.3.
Variant type: single nucleotide variant.
Coding change: c.961G>A on transcript NM_002067.5 (MANE Select); coding-DNA position 961, G replaced by A.
Protein change: p.Asp321Asn; replaces aspartic acid 321 with asparagine.
Molecular consequence: missense variant.
Genome position (GRCh38, 1-based): chr19:3,121,060, G>A. VCF-style: chr19-3121060-G-A. GRCh37 (hg19) VCF-style: chr19-3121058-G-A.
Other names: short protein forms D321N.
Identifiers: ClinVar variation 1058974 (VCV001058974.9), dbSNP rs1427351200, ClinGen allele CA403312211.